The following is an entry in ClinVar:

ClinVar aggregate classification (germline): Uncertain significance. Review status: criteria provided, multiple submitters, no conflicts (2 of 4 stars). 2 submissions from 2 submitters: Uncertain significance (2). Last evaluated 2025-06-05.

Conditions:
Inborn genetic diseases. Identifiers: MedGen C0950123, MeSH D030342.
Neutropenia, severe congenital, 1, autosomal dominant. Identifiers: MedGen C1859966, MONDO:0042490, OMIM 202700.
Cyclical neutropenia. Also called: Cyclic hematopoiesis; Cyclic Neutropenia. Identifiers: Orphanet 2686, MedGen C0221023, MONDO:0008090, OMIM 162800, HP:0040289. Disease mechanism: loss of function.

gnomAD v4.1: 1 of 1,613,538 alleles (0.000062%); highest among the groups gnomAD compares: Admixed American, 0.0017%; no homozygotes.

Submissions (2):

Ambry Genetics
Classification: Uncertain significance for Inborn genetic diseases. Last evaluated: 2025-06-05. Review status: criteria provided, single submitter. Criteria: Ambry Variant Classification Scheme 2023. Collection method: clinical testing. Allele origin: germline.
Comment: The p.G222D variant (also known as c.665G>A), located in coding exon 5 of the ELANE gene, results from a G to A substitution at nucleotide position 665. The glycine at codon 222 is replaced by aspartic acid, an amino acid with similar properties. This amino acid position is conserved. In addition, the in silico prediction for this alteration is inconclusive. Based on the available evidence, the clinical significance of this variant remains unclear.

Labcorp Genetics (formerly Invitae), Labcorp
Classification: Uncertain significance for Neutropenia, severe congenital, 1, autosomal dominant; Cyclical neutropenia. Last evaluated: 2022-01-15. Review status: criteria provided, single submitter. Criteria: Invitae Variant Classification Sherloc (09022015). Collection method: clinical testing. Allele origin: germline.
Comment: In summary, the available evidence is currently insufficient to determine the role of this variant in disease. Therefore, it has been classified as a Variant of Uncertain Significance. Algorithms developed to predict the effect of missense changes on protein structure and function are either unavailable or do not agree on the potential impact of this missense change (SIFT: "Deleterious"; PolyPhen-2: "Possibly Damaging"; Align-GVGD: "Class C15"). ClinVar contains an entry for this variant (Variation ID: 535842). This variant has not been reported in the literature in individuals affected with ELANE-related conditions. This variant is not present in population databases (gnomAD no frequency). This sequence change replaces glycine, which is neutral and non-polar, with aspartic acid, which is acidic and polar, at codon 222 of the ELANE protein (p.Gly222Asp).

NM_001972.4(ELANE):c.665G>A (p.Gly222Asp)

Gene: ELANE (elastase, neutrophil expressed; plus strand). Cytogenetic location: 19p13.3.
Variant type: single nucleotide variant.
Coding change: c.665G>A on transcript NM_001972.4 (MANE Select); coding-DNA position 665, G replaced by A.
Protein change: p.Gly222Asp; replaces glycine 222 with aspartic acid.
Molecular consequence: missense variant.
Genome position (GRCh38, 1-based): chr19:856,025, G>A. VCF-style: chr19-856025-G-A. GRCh37 (hg19) VCF-style: chr19-856025-G-A.
Other names: c.665G>A (LRG_57t1); short protein forms G222D.
Identifiers: ClinVar variation 535842 (VCV000535842.12), dbSNP rs1555710104, ClinGen allele CA402919078.
Genomic context (GRCh38, chr19:856,025, plus strand): 5'-CCGGCAGCCCCTTGGTCTGCAACGGGCTAATCCACGGAATTGCCTCCTTCGTCCGGGGAG[G>A]CTGCGCCTCAGGGCTCTACCCCGATGCCTTTGCCCCGGTGGCACAGTTTGTAAACTGGAT-3'
Protein context (NP_001963.1, residues 212-232): IHGIASFVRG[Gly222Asp]CASGLYPDAF